The following is an entry in ClinVar:

NM_007289.4(MME):c.311A>G (p.Tyr104Cys)

Gene: MME (membrane metalloendopeptidase; plus strand). Cytogenetic location: 3q25.2.
Variant type: single nucleotide variant.
Coding change: c.311A>G on transcript NM_007289.4 (MANE Select); coding-DNA position 311, A replaced by G.
Protein change: p.Tyr104Cys; replaces tyrosine 104 with cysteine.
Molecular consequence: missense variant.
Genome position (GRCh38, 1-based): chr3:155,115,108, A>G. VCF-style: chr3-155115108-A-G. GRCh37 (hg19) VCF-style: chr3-154832897-A-G.
Other names: c.311A>G, p.Tyr104Cys (NM_000902.5, NM_001354642.2, NM_001354643.1 and 2 more transcripts); short protein forms Y104C.
Identifiers: ClinVar variation 1201575 (VCV001201575.3), dbSNP rs1269241695, ClinGen allele CA355127598.
Genomic context (GRCh38, chr3:155,115,108, plus strand): 5'-TCAAATATGCTTGCGGAGGCTGGTTGAAACGTAATGTCATTCCCGAGACCAGCTCCCGTT[A>G]CGGCAACTTTGACATTTTAAGAGATGAACTAGAAGTCGTTTTGAAAGGTTAGTAGAGATT-3'
Protein context (NP_009220.2, residues 94-114): RNVIPETSSR[Tyr104Cys]GNFDILRDEL

ClinVar aggregate classification (germline): Uncertain significance (1 of 4 stars; one submission).

Allele frequency attached by ClinVar (database versions not stated): gnomAD exomes below 0.00001; gnomAD 0.00001.
gnomAD v4.1: 6 of 1,614,038 alleles (0.00037%); highest among the groups gnomAD compares: Non-Finnish European, 0.00051%; no homozygotes.

Submission:

GeneDx
Classification: Uncertain significance. Last evaluated: 2019-02-14. Review status: criteria provided, single submitter. Criteria: GeneDx Variant Classification Process June 2021. Collection method: clinical testing. Allele origin: germline. Affected: yes.
Comment: Not observed at a significant frequency in large population cohorts (Lek et al., 2016); In silico analysis, which includes protein predictors and evolutionary conservation, supports a deleterious effect; Has not been previously published as pathogenic or benign to our knowledge